The following is an entry in ClinVar:

NM_001111125.3(IQSEC2):c.4151G>T (p.Gly1384Val)

Gene: IQSEC2 (IQ motif and Sec7 domain ArfGEF 2; minus strand). Cytogenetic location: Xp11.22.
Variant type: single nucleotide variant.
Coding change: c.4151G>T on transcript NM_001111125.3 (MANE Select); coding-DNA position 4151, G replaced by T.
Protein change: p.Gly1384Val; replaces glycine 1384 with valine.
Molecular consequence: missense variant. On other transcripts: 3 prime UTR variant (1).
Genome position (GRCh38, 1-based): chrX:53,234,535, C>A on the plus strand (G>T on the coding strand, the complement: IQSEC2 is on the minus strand). VCF-style: chrX-53234535-C-A. GRCh37 (hg19) VCF-style: chrX-53263717-C-A.
Other names: c.4151G>T (NM_001111125.1); c.*636G>T (NM_001410736.1, NM_015075.2); short protein forms G1384V.
Identifiers: ClinVar variation 1721571 (VCV001721571.7), dbSNP rs2519669179, ClinGen allele CA413139321.
Genomic context (GRCh38, chrX:53,234,535, plus strand): 5'-CCAGCCGCGCCTGCTGCTGGCATCATCTGTGGGTGGTGGCTGAAGATGAAGTGCTTAGGG[C>A]CCTGTTTGTGGGCTGGAGGGTGCTGGGGGGCAGGACTGTACAGGGGCAGTGGGGATGTGG-3'
Protein context (NP_001104595.1, residues 1374-1394): APQHPPAHKQ[Gly1384Val]PKHFIFSHHP

ClinVar aggregate classification (germline): Uncertain significance. Review status: criteria provided, multiple submitters, no conflicts (2 of 4 stars). 2 submissions from 2 submitters: Uncertain significance (2). Last evaluated 2024-10-27.

Conditions:
Intellectual developmental disorder, X-linked 1. Also called: MENTAL RETARDATION, X-LINKED 18; MENTAL RETARDATION, X-LINKED 78; Intellectual disability, X-linked 1; Atkin Flaitz Patil Smith syndrome. Identifiers: Orphanet 777, MedGen C2931498, MONDO:0010656, OMIM 309530.

Submissions (2):

GeneDx
Classification: Uncertain significance. Last evaluated: 2024-10-27. Review status: criteria provided, single submitter. Criteria: GeneDx Variant Classification Process June 2021. Collection method: clinical testing. Allele origin: germline. Affected: yes.
Comment: Not observed at significant frequency in large population cohorts (gnomAD); In silico analysis indicates that this missense variant does not alter protein structure/function; Has not been previously published as pathogenic or benign to our knowledge

Labcorp Genetics (formerly Invitae), Labcorp
Classification: Uncertain significance for Intellectual developmental disorder, X-linked 1. Last evaluated: 2022-10-13. Review status: criteria provided, single submitter. Criteria: Invitae Variant Classification Sherloc (09022015). Collection method: clinical testing. Allele origin: germline.
Comment: This sequence change replaces glycine, which is neutral and non-polar, with valine, which is neutral and non-polar, at codon 1384 of the IQSEC2 protein (p.Gly1384Val). This variant is not present in population databases (gnomAD no frequency). In summary, the available evidence is currently insufficient to determine the role of this variant in disease. Therefore, it has been classified as a Variant of Uncertain Significance. Advanced modeling of protein sequence and biophysical properties (such as structural, functional, and spatial information, amino acid conservation, physicochemical variation, residue mobility, and thermodynamic stability) performed at Invitae indicates that this missense variant is not expected to disrupt IQSEC2 protein function. This variant has not been reported in the literature in individuals affected with IQSEC2-related conditions.